The following is an entry in ClinVar:

ClinVar aggregate classification (germline): Likely pathogenic (1 of 4 stars; one submission).

Conditions:
Creatine transporter deficiency (CCDS1). Also called: Mental retardation , X-linked with seizures, short stature and midface hypoplasia; Mental retardation , X-linked, with creatine transport deficiency; X-linked creatine transporter deficiency; X-linked creatine deficiency syndrome; SLC6A8-Related Creatine Transporter Deficiency; CREATINE TRANSPORTER DEFECT. Identifiers: Orphanet 52503, MedGen C1845862, MONDO:0010305, OMIM 300352.

Submission:

Broad Center for Mendelian Genomics, Broad Institute of MIT and Harvard
Classification: Likely pathogenic for Creatine transporter deficiency. Last evaluated: 2023-05-02. Review status: criteria provided, single submitter. Criteria: ACMG Guidelines, 2015. Collection method: curation. Allele origin: germline. Inheritance: X-linked inheritance.
Comment: Trio exome analysis showed this variant to be de novo. The p.Phe386TrpfsTer12 variant in SLC6A8 has not been previously reported in individuals with cerebral creatine deficiency syndrome 1. This variant was absent from large population studies. This variant is predicted to cause a frameshift, which alters the protein‚Äôs amino acid sequence beginning at position 386 and leads to a premature termination codon 12 amino acids downstream. This alteration is then predicted to lead to a truncated or absent protein. Loss of function of the SLC6A8 gene is an established disease mechanism in X-linked cerebral creatine deficiency syndrome 1. In summary, although additional studies are required to fully establish its clinical significance, this variant is likely pathogenic for X-linked cerebral creatine deficiency syndrome 1. ACMG/AMP Criteria applied: PVS1, PM2_Supporting (Richards 2015).

NM_005629.4(SLC6A8):c.1152_1156dup (p.Phe386fs)

Gene: SLC6A8 (solute carrier family 6 member 8; plus strand). Cytogenetic location: Xq28.
Variant type: Microsatellite.
Coding change: c.1152_1156dup on transcript NM_005629.4 (MANE Select); coding-DNA positions 1152 to 1156, 5 bases duplicated (GGCCT; older notation c.1152_1156dupGGCCT).
Protein change: p.Phe386fs; shifts the reading frame from phenylalanine 386.
Molecular consequence: frameshift variant.
Genome position (GRCh38, 1-based): chrX:153,693,915-153,693,919, GGCCT duplicated; duplicating any 5 consecutive bases within chrX:153,693,910-153,693,919 gives the same sequence; the c. name uses the placement nearest the transcript's 3' end. VCF-style (leftmost placement, unchanged base first): chrX-153693909-G-GGGCCT. GRCh37 (hg19) VCF-style: chrX-152959364-G-GGGCCT.
Other names: NM_001142805.2:c.1122_1126dup; c.1122_1126dup, p.Phe376fs (NM_001142805.2); c.807_811dup, p.Phe271fs (NM_001142806.1); short protein forms F271fs, F376fs, F386fs.
Identifiers: ClinVar variation 2500927 (VCV002500927.1), dbSNP rs2522165172, ClinGen allele CA2579925623.